The following is an entry in ClinVar:

NM_001148.6(ANK2):c.820T>C (p.Ser274Pro)

Gene: ANK2 (ankyrin 2; plus strand). Cytogenetic location: 4q26.
Variant type: single nucleotide variant.
Coding change: c.820T>C on transcript NM_001148.6 (MANE Select); coding-DNA position 820, T replaced by C.
Protein change: p.Ser274Pro; replaces serine 274 with proline.
Molecular consequence: missense variant.
Genome position (GRCh38, 1-based): chr4:113,242,138, T>C. VCF-style: chr4-113242138-T-C. GRCh37 (hg19) VCF-style: chr4-114163294-T-C.
Other names: c.820T>C, p.Ser274Pro (NM_001354225.2, NM_001354228.2, NM_001354232.2 and 9 more transcripts); c.865T>C, p.Ser289Pro (NM_001354230.2, NM_001354231.2, NM_001354237.2 and 5 more transcripts); c.757T>C, p.Ser253Pro (NM_001354239.2, NM_001354243.2, NM_001354244.2 and 14 more transcripts); c.733T>C, p.Ser245Pro (NM_001354249.2, NM_001354260.2, NM_001354264.2 and 16 more transcripts); c.778T>C, p.Ser260Pro (NM_001354261.2, NM_001386147.1, NM_001386160.1); c.808T>C, p.Ser270Pro (NM_001354269.3, NM_001386148.2, NM_001386186.2); c.871T>C, p.Ser291Pro (NM_001386174.1); c.847T>C, p.Ser283Pro (NM_001386175.1); and 1 more; short protein forms S253P, S274P, S283P, S262P, S270P, S291P, S245P, S260P.
Identifiers: ClinVar variation 3539298 (VCV003539298.1).
Genomic context (GRCh38, chr4:113,242,138, plus strand): 5'-CAACAGCTCTTGTTTGGTCTTTCTGTGGTGTAGAATGGAATCACTCCTCTGCATGTGGCT[T>C]CCAAAAGAGGAAATACAAACATGGTGAAGCTCTTACTGGATCGAGGCGGTCAGATCGATG-3'
Protein context (NP_001139.3, residues 264-284): RNGITPLHVA[Ser274Pro]KRGNTNMVKL

ClinVar aggregate classification (germline): Uncertain significance (1 of 4 stars; one submission).

Conditions:
Cardiovascular phenotype. Identifiers: MedGen CN230736.

Submission:

Ambry Genetics
Classification: Uncertain significance for Cardiovascular phenotype. Last evaluated: 2024-06-27. Review status: criteria provided, single submitter. Criteria: Ambry Variant Classification Scheme 2023. Collection method: clinical testing. Allele origin: germline.
Comment: The p.S274P variant (also known as c.820T>C), located in coding exon 9 of the ANK2 gene, results from a T to C substitution at nucleotide position 820. The serine at codon 274 is replaced by proline, an amino acid with similar properties. This amino acid position is conserved. In addition, this alteration is predicted to be deleterious by in silico analysis. Based on the available evidence, the clinical significance of this variant remains unclear.